The following is an entry in ClinVar:

ClinVar aggregate classification (germline): Likely pathogenic (1 of 4 stars; one submission).

Submission:

GeneDx
Classification: Likely pathogenic. Last evaluated: 2026-02-10. Review status: criteria provided, single submitter. Criteria: GeneDx Variant Classification Process June 2021. Collection method: clinical testing. Allele origin: germline.
Comment: Frameshift variant predicted to result in protein truncation or nonsense mediated decay in a gene for which loss of function is a known mechanism of disease; Not observed at significant frequency in large population cohorts (gnomAD); Has not been previously published as pathogenic or benign to our knowledge

NM_183357.3(ADCY5):c.794del (p.Pro265fs)

Gene: ADCY5 (adenylate cyclase 5; minus strand). Cytogenetic location: 3q21.1.
Variant type: Deletion.
Coding change: c.794del on transcript NM_183357.3 (MANE Select); coding-DNA position 794, one base deleted (C; older notation c.794delC).
Protein change: p.Pro265fs; shifts the reading frame from proline 265.
Molecular consequence: frameshift variant.
Genome position (GRCh38, 1-based): chr3:123,447,752, G deleted on the plus strand (C on the coding strand, the reverse complement: ADCY5 is on the minus strand); the first of 5 consecutive G bases (chr3:123,447,752-123,447,756); deleting any one gives the same sequence. VCF-style (leftmost placement, unchanged base first): chr3-123447751-CG-C. GRCh37 (hg19) VCF-style: chr3-123166598-CG-C.
Other names: c.794del, p.Pro265fs (NM_001378259.1); short protein forms P265fs.
Identifiers: ClinVar variation 4891332 (VCV004891332.1).